The following is an entry in ClinVar:

NM_182931.3(KMT2E):c.3672_3673del (p.Tyr1224_Asn1225delinsTer)

Gene: KMT2E (lysine methyltransferase 2E (inactive); plus strand). Cytogenetic location: 7q22.3.
Variant type: Microsatellite.
Coding change: c.3672_3673del on transcript NM_182931.3 (MANE Select); coding-DNA positions 3672 to 3673, 2 bases deleted (TA; older notation c.3672_3673delTA).
Protein change: p.Tyr1224_Asn1225delinsTer.
Molecular consequence: nonsense.
Genome position (GRCh38, 1-based): chr7:105,109,145-105,109,146, TA deleted; deleting any 2 consecutive bases within chr7:105,109,143-105,109,146 gives the same sequence; the c. name uses the placement nearest the transcript's 3' end. VCF-style (leftmost placement, unchanged base first): chr7-105109142-TTA-T. GRCh37 (hg19) VCF-style: chr7-104749589-TTA-T.
Other names: c.3672_3673del, p.Tyr1224_Asn1225delinsTer (NM_018682.4); c.3672_3673delTA (NM_182931.3).
Identifiers: ClinVar variation 805933 (VCV000805933.24), dbSNP rs1584808269, ClinGen allele CA913184822.

ClinVar aggregate classification (germline): Pathogenic/Likely pathogenic. Review status: criteria provided, multiple submitters, no conflicts (2 of 4 stars). 2 submissions from 2 submitters: Pathogenic (1); Likely pathogenic (1). Last evaluated 2023-03-23.

Conditions:
O'Donnell-Luria-Rodan syndrome (ODLURO). Also called: KMT2E-Related Neurodevelopmental Disorder. Identifiers: MedGen C5193138, MONDO:0032793, OMIM 618512.

Submissions (2):

Oxford Medical Genetics Laboratories, Oxford University Hospitals NHS Foundation Trust
Classification: Pathogenic for O'Donnell-Luria-Rodan syndrome. Last evaluated: 2023-03-23. Review status: criteria provided, single submitter. Criteria: ACMG Guidelines, 2015. Collection method: clinical testing. Allele origin: de novo. Affected: yes.

Broad Center for Mendelian Genomics, Broad Institute of MIT and Harvard
Classification: Likely pathogenic. Last evaluated: 2019-02-07. Review status: criteria provided, single submitter. Criteria: ACMG Guidelines, 2015. Collection method: research. Allele origin: de novo. Inheritance: Autosomal dominant inheritance. Affected: yes.
Comment: Trio exome analysis showed this variant to be de novo. The p.Tyr1224*variant in KMT2E has not been previously reported in individuals with developmental delay and was absent from large population studies. This nonsense variant leads to a premature termination codon at position 1224 which is predicted to lead to a truncated or absent protein. This alteration is then predicted to lead to a truncated or absent protein. It is of note, that loss of function of the KMT2E gene in autosomal dominant disease has not yet been established based on the criteria laid out in Tayoun, 2018 (PMID: 30192042). In summary, although additional studies are required to fully establish its clinical significance, this variant is likely pathogenic.

Literature cited by the submitters: PubMed 31079897 (cited by Oxford Medical Genetics Laboratories, Oxford University Hospitals NHS Foundation Trust).